The following is an entry in ClinVar:

ClinVar aggregate classification (germline): Uncertain significance (1 of 4 stars; one submission).

Conditions:
Epilepsy. Also called: Seizure disorder. Identifiers: MedGen C0014544, MeSH D004827, MONDO:0005027.

Allele frequency attached by ClinVar (database versions not stated): ESP Exome Variant Server 0.00015; gnomAD exomes 0.00016 and 0.00009; ExAC 0.00025; 1000 Genomes Project 0.00060; 1000 Genomes Project 30x 0.00062; TOPMed 0.00006; gnomAD 0.00014.

Submission:

Labcorp Genetics (formerly Invitae), Labcorp
Classification: Uncertain significance for Epilepsy. Last evaluated: 2022-10-13. Review status: criteria provided, single submitter. Criteria: Invitae Variant Classification Sherloc (09022015). Collection method: clinical testing. Allele origin: germline.
Comment: This sequence change falls in intron 3 of the PIGQ gene. It does not directly change the encoded amino acid sequence of the PIGQ protein. It affects a nucleotide within the consensus splice site. This variant is present in population databases (rs199735408, gnomAD 0.04%). This variant has not been reported in the literature in individuals affected with PIGQ-related conditions. ClinVar contains an entry for this variant (Variation ID: 571164). Variants that disrupt the consensus splice site are a relatively common cause of aberrant splicing (PMID: 17576681, 9536098). Algorithms developed to predict the effect of sequence changes on RNA splicing suggest that this variant may disrupt the consensus splice site. In summary, the available evidence is currently insufficient to determine the role of this variant in disease. Therefore, it has been classified as a Variant of Uncertain Significance.

Literature cited by the submitters: PubMed 17576681; PubMed 9536098.

NM_004204.5(PIGQ):c.821+3G>A

Gene: PIGQ (phosphatidylinositol glycan anchor biosynthesis class Q; plus strand). Cytogenetic location: 16p13.3.
Variant type: single nucleotide variant.
Coding change: c.821+3G>A on transcript NM_004204.5 (MANE Select); 3 bases into the intron after coding-DNA position 821, G replaced by A.
Molecular consequence: intron variant.
Genome position (GRCh38, 1-based): chr16:575,973, G>A. VCF-style: chr16-575973-G-A. GRCh37 (hg19) VCF-style: chr16-625973-G-A.
Other names: c.821+3G>A (NM_148920.4).
Identifiers: ClinVar variation 571164 (VCV000571164.7), dbSNP rs199735408, ClinGen allele CA7779982.
Genomic context (GRCh38, chr16:575,973, plus strand): 5'-AGCACCTCACGCTAATCTTCAGTACACGGAAGGCGGAGAACCCTGCCCAGCTGATGAGGT[G>A]TGGGCCTGCCCTGGTCTCTGCAGGGCTGGGTGCGTGCCCTCTGGCCCCTTCTCCATCCCC-3'